The following is an entry in ClinVar:

NM_012414.4(RAB3GAP2):c.2972C>T (p.Ala991Val)

Gene: RAB3GAP2 (RAB3 GTPase activating non-catalytic protein subunit 2; minus strand). Cytogenetic location: 1q41.
Variant type: single nucleotide variant.
Coding change: c.2972C>T on transcript NM_012414.4 (MANE Select); coding-DNA position 2972, C replaced by T.
Protein change: p.Ala991Val; replaces alanine 991 with valine.
Molecular consequence: missense variant.
Genome position (GRCh38, 1-based): chr1:220,167,510, G>A on the plus strand (C>T on the coding strand, the complement: RAB3GAP2 is on the minus strand). VCF-style: chr1-220167510-G-A. GRCh37 (hg19) VCF-style: chr1-220340852-G-A.
Other names: short protein forms A991V.
Identifiers: ClinVar variation 5027678 (VCV005027678.1).
Genomic context (GRCh38, chr1:220,167,510, plus strand): 5'-TGGCCACATCTTTCCAATTTGGATTTCATATTTCTCATTATTTGTGTATCACCTGGTATG[G>A]CTCCTAAGTCCATCTCCATCTCTGATACCTCAAGGAAACTTCTGTTAACACCTTCTTTGG-3'
Protein context (NP_036546.2, residues 981-1001): EVSEMEMDLG[Ala991Val]IPDLLHLAYE

ClinVar aggregate classification (germline): Uncertain significance (1 of 4 stars; one submission).

Conditions:
Inborn genetic diseases. Identifiers: MedGen C0950123, MeSH D030342.

gnomAD v4.1: 15 of 1,613,884 alleles (0.00093%); highest among the groups gnomAD compares: Admixed American, 0.0017%; no homozygotes.

Submission:

Ambry Genetics
Classification: Uncertain significance for Inborn genetic diseases. Last evaluated: 2026-06-15. Review status: criteria provided, single submitter. Criteria: Ambry Variant Classification Scheme 2023. Collection method: clinical testing. Allele origin: germline.
Comment: The c.2972C>T (p.A991V) alteration is located in exon 25 (coding exon 25) of the RAB3GAP2 gene. This alteration results from a C to T substitution at nucleotide position 2972, causing the alanine (A) at amino acid position 991 to be replaced by a valine (V). Based on data from gnomAD, the T allele has an overall frequency of 0.001% (2/251304) total alleles studied. The highest observed frequency was 0.003% (1/34592) of Latino alleles. Based on insufficient or conflicting evidence, the clinical significance of this alteration remains unclear.